The following is an entry in ClinVar:

NM_007055.4(POLR3A):c.*690C>T

Gene: POLR3A (RNA polymerase III subunit A; minus strand). Cytogenetic location: 10q22.3.
Variant type: single nucleotide variant.
Coding change: c.*690C>T on transcript NM_007055.4 (MANE Select); 690 bases downstream of the stop codon, C replaced by T.
Molecular consequence: 3 prime UTR variant.
Genome position (GRCh38, 1-based): chr10:77,976,788, G>A on the plus strand (C>T on the coding strand, the complement: POLR3A is on the minus strand). VCF-style: chr10-77976788-G-A. GRCh37 (hg19) VCF-style: chr10-79736546-G-A.
Identifiers: ClinVar variation 301021 (VCV000301021.5), dbSNP rs74451934, ClinGen allele CA10636063.
Genomic context (GRCh38, chr10:77,976,788, plus strand): 5'-TCACAGGGTAGAGCCCCATGATAGGGGTCTGAGGTAGATGAAAACAACAGGGTAGCCAGG[G>A]GCATCTATAGAAGATGTTACAGAGCTGCCTGGGCCTCATGACAGTTGCACCTCAGTTACA-3'

ClinVar aggregate classification (germline): Benign (1 of 4 stars; one submission).

Conditions:
Leukodystrophy, hypomyelinating, 7, with or without oligodontia and/or hypogonadotropic hypogonadism (HLD7). Also called: LEUKOENCEPHALOPATHY, HYPOMYELINATING, WITH ATAXIA AND DELAYED DENTITION; ATAXIA, DELAYED DENTITION, AND HYPOMYELINATION; LEUKODYSTROPHY, HYPOMYELINATING, 7, WITH OLIGODONTIA; LEUKODYSTROPHY, HYPOMYELINATING, 7, WITH OLIGODONTIA AND HYPOGONADOTROPIC HYPOGONADISM; LEUKODYSTROPHY, HYPOMYELINATING, 7, WITHOUT OLIGODONTIA OR HYPOGONADOTROPIC HYPOGONADISM; Ataxia, Delayed Dentition and Hypomyelination (ADDH). Identifiers: Orphanet 137639, Orphanet 447893, Orphanet 447896, Orphanet 77295, Orphanet 88637, MedGen CN034185, MONDO:0011897, OMIM 607694.

Allele frequency attached by ClinVar (database versions not stated): gnomAD 0.03022 and 0.03200; TOPMed 0.03331; 1000 Genomes Project 30x 0.03451; 1000 Genomes Project 0.03534.

Submission:

Illumina Laboratory Services, Illumina
Classification: Benign for Leukodystrophy, hypomyelinating, 7, with or without oligodontia and/or hypogonadotropic hypogonadism. Last evaluated: 2018-01-13. Review status: criteria provided, single submitter. Criteria: ICSL Variant Classification Criteria 13 December 2019. Collection method: clinical testing. Allele origin: germline.
Comment: This variant was observed in the ICSL laboratory as part of a predisposition screen in an ostensibly healthy population. It had not been previously curated by ICSL or reported in the Human Gene Mutation Database (HGMD: prior to June 1st, 2018), and was therefore a candidate for classification through an automated scoring system. Utilizing variant allele frequency, disease prevalence and penetrance estimates, and inheritance mode, an automated score was calculated to assess if this variant is too frequent to cause the disease. Based on the score and internal cut-off values, a variant classified as benign is not then subjected to further curation. The score for this variant resulted in a classification of benign for this disease.